The following is an entry in ClinVar:

NM_001366385.1(CARD14):c.185G>A (p.Arg62Gln)

Gene: CARD14 (caspase recruitment domain family member 14; plus strand). Cytogenetic location: 17q25.3.
Variant type: single nucleotide variant.
Coding change: c.185G>A on transcript NM_001366385.1 (MANE Select); coding-DNA position 185, G replaced by A.
Protein change: p.Arg62Gln; replaces arginine 62 with glutamine.
Molecular consequence: missense variant. On other transcripts: non-coding transcript variant (1).
Genome position (GRCh38, 1-based): chr17:80,181,623, G>A. VCF-style: chr17-80181623-G-A. GRCh37 (hg19) VCF-style: chr17-78155422-G-A.
Other names: c.185G>A, p.Arg62Gln (NM_024110.4, NM_001257970.1); short protein forms R62Q.
Identifiers: ClinVar variation 68777 (VCV000068777.39), dbSNP rs115582620, ClinGen allele CA219904.

ClinVar aggregate classification (germline): Benign/Likely benign. Review status: criteria provided, multiple submitters, no conflicts (2 of 4 stars). 7 submissions from 7 submitters: Benign (2); Likely benign (3). 2 of the submissions do not count toward it. Last evaluated 2026-01-22.

Conditions:
Autoinflammatory syndrome. Identifiers: Orphanet 93665, MedGen C3890737, MONDO:0019751.
CARD14-related disorder. Also called: CARD14-related condition.
Pityriasis rubra pilaris (PRP). Also called: Pityriasis rubra pilaris--familial type. Identifiers: Orphanet 2897, MedGen C0032027, MONDO:0100017, OMIM 173200, MONDO:0008251.
Psoriasis 2. Identifiers: MedGen C1864497, MONDO:0011269, OMIM 602723.

Allele frequency attached by ClinVar (database versions not stated): ExAC 0.00261; gnomAD 0.00429 and 0.00439; ESP Exome Variant Server 0.00440; TOPMed 0.00491; 1000 Genomes Project 30x 0.00531; 1000 Genomes Project 0.00539.

Submissions (7):

Women's Health and Genetics/Laboratory Corporation of America, LabCorp
Classification: Likely benign. Last evaluated: 2026-01-22. Review status: criteria provided, single submitter. Criteria: LabCorp Variant Classification Summary - May 2015. Collection method: clinical testing. Allele origin: germline.

Labcorp Genetics (formerly Invitae), Labcorp
Classification: Benign for Pityriasis rubra pilaris; Psoriasis 2. Last evaluated: 2026-01-21. Review status: criteria provided, single submitter. Criteria: Invitae Variant Classification Sherloc (09022015). Collection method: clinical testing. Allele origin: germline.

Blueprint Genetics
Classification: Likely benign. Last evaluated: 2024-10-02. Review status: criteria provided, single submitter. Criteria: ACMG Guidelines, 2015. Collection method: clinical testing. Allele origin: germline.

CeGaT Center for Human Genetics Tuebingen
Classification: Benign. Last evaluated: 2023-11-01. Review status: criteria provided, single submitter. Criteria: CeGaT Center For Human Genetics Tuebingen Variant Classification Criteria Version 2. Collection method: clinical testing. Allele origin: germline. Affected: yes. Observed: 1 variant allele.
Comment: CARD14: BP4, BS1, BS2

Genome Diagnostics Laboratory, The Hospital for Sick Children
Classification: Likely benign for Autoinflammatory syndrome. Last evaluated: 2021-11-01. Review status: criteria provided, single submitter. Criteria: ACMG Guidelines, 2015. Collection method: clinical testing. Allele origin: germline. Affected: yes.

PreventionGenetics, part of Exact Sciences
Classification: Likely benign for CARD14-related condition. Last evaluated: 2024-02-15. Review status: no assertion criteria provided. Collection method: clinical testing. Allele origin: germline. Not counted in ClinVar's aggregate classification.
Comment: This variant is classified as likely benign based on ACMG/AMP sequence variant interpretation guidelines (Richards et al. 2015 PMID: 25741868, with internal and published modifications).

UniProtKB/Swiss-Prot
No classification provided. Review status: no classification provided. Collection method: not provided. Allele origin: not provided. Not counted in ClinVar's aggregate classification.